The following is an entry in ClinVar:

NM_001844.5(COL2A1):c.2301+72C>T

Gene: COL2A1 (collagen type II alpha 1 chain; minus strand). Cytogenetic location: 12q13.11.
Variant type: single nucleotide variant.
Coding change: c.2301+72C>T on transcript NM_001844.5 (MANE Select); 72 bases into the intron after coding-DNA position 2301, C replaced by T.
Molecular consequence: intron variant.
Genome position (GRCh38, 1-based): chr12:47,982,430, G>A on the plus strand (C>T on the coding strand, the complement: COL2A1 is on the minus strand). VCF-style: chr12-47982430-G-A. GRCh37 (hg19) VCF-style: chr12-48376213-G-A.
Other names: c.2094+72C>T (NM_033150.3).
Identifiers: ClinVar variation 674984 (VCV000674984.2), dbSNP rs12811832, ClinGen allele CA13588308.

ClinVar aggregate classification (germline): Benign. Review status: criteria provided, multiple submitters, no conflicts (2 of 4 stars). 2 submissions from 2 submitters: Benign (2). Last evaluated 2018-06-19.

Allele frequency attached by ClinVar (database versions not stated): 1000 Genomes Project 30x 0.20331; 1000 Genomes Project 0.20407; TOPMed 0.28182; gnomAD 0.28782 and 0.29194; gnomAD exomes 0.34117.
gnomAD v4.1: 432,161 of 1,294,196 alleles (33%); highest among the groups gnomAD compares: Non-Finnish European, 37%; 75,523 homozygotes.

Submissions (2):

GeneDx
Classification: Benign. Last evaluated: 2018-06-19. Review status: criteria provided, single submitter. Criteria: GeneDx Variant Classification (06012015). Collection method: clinical testing. Allele origin: germline. Affected: yes.
Comment: This variant is considered likely benign or benign based on one or more of the following criteria: it is a conservative change, it occurs at a poorly conserved position in the protein, it is predicted to be benign by multiple in silico algorithms, and/or has population frequency not consistent with disease.

Breakthrough Genomics
Classification: Benign. Review status: criteria provided, single submitter. Criteria: ACMG Guidelines, 2015. Collection method: not provided. Allele origin: germline. Inheritance: Autosomal dominant inheritance. Affected: yes.